The following is an entry in ClinVar:

ClinVar aggregate classification (germline): Likely pathogenic (1 of 4 stars; one submission).

Allele frequency attached by ClinVar (database versions not stated): gnomAD exomes 0.00001 and 0.00002; ExAC 0.00002; TOPMed 0.00004; gnomAD 0.00005.
gnomAD v4.1: 48 of 1,613,958 alleles (0.003%); highest among the groups gnomAD compares: African/African-American, 0.004%; no homozygotes.

Submission:

GeneDx
Classification: Likely pathogenic. Last evaluated: 2013-04-09. Review status: criteria provided, single submitter. Criteria: GeneDx Variant Classification (06012015). Collection method: clinical testing. Allele origin: germline. Affected: yes.
Comment: The R217Q variant in NDUFAF1 has not been reported previously as a disease-causing mutation nor as a benign polymorphism, to our knowledge. Mutations in the NDUFAF1 gene are associated with the autosomal recessive disorder mitochondrial complex I deficiency. This variant is a non-conservative amino acid substitution of a positively charged Arginine with a neutral Glutamine, at a residue that is conserved across species. In silico analysis predicts this variant is probably damaging to the protein structure/function. Therefore, R217Q is a strong candidate for a disease-causing mutation, however the possibility that it is a benign variant cannot be excluded. The variant is found in MITONUC-MITOP panel(s).

NM_016013.4(NDUFAF1):c.650G>A (p.Arg217Gln)

Gene: NDUFAF1 (NADH:ubiquinone oxidoreductase complex assembly factor 1; minus strand). Cytogenetic location: 15q15.1.
Variant type: single nucleotide variant.
Coding change: c.650G>A on transcript NM_016013.4 (MANE Select); coding-DNA position 650, G replaced by A.
Protein change: p.Arg217Gln; replaces arginine 217 with glutamine.
Molecular consequence: missense variant. On other transcripts: non-coding transcript variant (1).
Genome position (GRCh38, 1-based): chr15:41,394,968, C>T on the plus strand (G>A on the coding strand, the complement: NDUFAF1 is on the minus strand). VCF-style: chr15-41394968-C-T. GRCh37 (hg19) VCF-style: chr15-41687166-C-T.
Other names: p.R217Q:CGG>CAG; short protein forms R217Q.
Identifiers: ClinVar variation 214733 (VCV000214733.2), dbSNP rs780401493, ClinGen allele CA325263.
Genomic context (GRCh38, chr15:41,394,968, plus strand): 5'-TACATCTGATTCGTCCTCTGGAAGAAATCTGTGTCCTCCTTGATATTCACCATCCAAGGC[C>T]GACCATCCCCACGTACACGGAGATACAGAGTATTGAACTGGGACCAATCGTAAGACATCT-3'
Protein context (NP_057097.2, residues 207-227): TLYLRVRGDG[Arg217Gln]PWMVNIKEDT